The following is an entry in ClinVar:

ClinVar aggregate classification (germline): Uncertain significance (1 of 4 stars; one submission).

Submission:

GeneDx
Classification: Uncertain significance. Last evaluated: 2024-07-04. Review status: criteria provided, single submitter. Criteria: GeneDx Variant Classification Process June 2021. Collection method: clinical testing. Allele origin: germline. Affected: yes.
Comment: Not observed at significant frequency in large population cohorts (gnomAD); In silico analysis indicates that this missense variant does not alter protein structure/function; Has not been previously published as pathogenic or benign to our knowledge

NM_002480.3(PPP1R12A):c.1667G>A (p.Gly556Asp)

Gene: PPP1R12A (protein phosphatase 1 regulatory subunit 12A; minus strand). Cytogenetic location: 12q21.2.
Variant type: single nucleotide variant.
Coding change: c.1667G>A on transcript NM_002480.3 (MANE Select); coding-DNA position 1667, G replaced by A.
Protein change: p.Gly556Asp; replaces glycine 556 with aspartic acid.
Molecular consequence: missense variant. On other transcripts: intron variant (1).
Genome position (GRCh38, 1-based): chr12:79,806,322, C>T on the plus strand (G>A on the coding strand, the complement: PPP1R12A is on the minus strand). VCF-style: chr12-79806322-C-T. GRCh37 (hg19) VCF-style: chr12-80200102-C-T.
Other names: c.1667G>A, p.Gly556Asp (NM_001143885.2, NM_001244990.2); c.1406G>A, p.Gly469Asp (NM_001143886.2); c.1656-554G>A (NM_001244992.1); short protein forms G469D, G556D.
Identifiers: ClinVar variation 3393816 (VCV003393816.1).